The following is an entry in ClinVar:

ClinVar aggregate classification (germline): Likely pathogenic (1 of 4 stars; one submission).

Conditions:
Ehlers-Danlos syndrome, type 4 (EDSVASC). Also called: Ehlers-Danlos syndrome vascular type; Ehlers Danlos syndrome, ecchymotic type; Ehlers Danlos syndrome, arterial type; Ehlers Danlos syndrome, Sack-Barabas type; Ehlers-Danlos Syndrome Type IV. Identifiers: Orphanet 286, MedGen C0268338, MONDO:0017314, OMIM 130050.

Submission:

Labcorp Genetics (formerly Invitae), Labcorp
Classification: Likely pathogenic for Ehlers-Danlos syndrome, type 4. Last evaluated: 2024-04-26. Review status: criteria provided, single submitter. Criteria: Invitae Variant Classification Sherloc (09022015). Collection method: clinical testing. Allele origin: germline.
Comment: This sequence change affects a donor splice site in intron 29 of the COL3A1 gene. It is expected to disrupt RNA splicing. Variants that disrupt the donor or acceptor splice site typically lead to a loss of protein function (PMID: 16199547), and loss-of-function variants in COL3A1 are known to be pathogenic (PMID: 24922459). This variant is not present in population databases (gnomAD no frequency). This variant has not been reported in the literature in individuals affected with COL3A1-related conditions. Algorithms developed to predict the effect of sequence changes on RNA splicing suggest that this variant may disrupt the consensus splice site. In summary, the currently available evidence indicates that the variant is pathogenic, but additional data are needed to prove that conclusively. Therefore, this variant has been classified as Likely Pathogenic.

Literature cited by the submitters: PubMed 16199547; PubMed 24922459.

NM_000090.4(COL3A1):c.2022+1G>A

Gene: COL3A1 (collagen type III alpha 1 chain; plus strand). Cytogenetic location: 2q32.2.
Variant type: single nucleotide variant.
Coding change: c.2022+1G>A on transcript NM_000090.4 (MANE Select); the canonical splice donor site of the intron after coding-DNA position 2022, G replaced by A.
Molecular consequence: splice donor variant.
Genome position (GRCh38, 1-based): chr2:188,998,719, G>A. VCF-style: chr2-188998719-G-A. GRCh37 (hg19) VCF-style: chr2-189863445-G-A.
Identifiers: ClinVar variation 3651296 (VCV003651296.2).